The following is an entry in ClinVar:

ClinVar aggregate classification (germline): Uncertain significance (1 of 4 stars; one submission).

Conditions:
Bethlem myopathy 1A. Also called: MYOPATHY, BENIGN CONGENITAL, WITH CONTRACTURES; Bethlem Muscular Dystrophy; Bethlem myopathy 1. Identifiers: Orphanet 610, MedGen CN029274, MONDO:0024530, OMIM 158810.

Allele frequency attached by ClinVar (database versions not stated): gnomAD exomes below 0.00001 and 0.00001.
gnomAD v4.1: 10 of 1,614,164 alleles (0.00062%); highest among the groups gnomAD compares: Non-Finnish European, 0.00085%; no homozygotes.

Submission:

Labcorp Genetics (formerly Invitae), Labcorp
Classification: Uncertain significance for Bethlem myopathy 1A. Last evaluated: 2024-08-08. Review status: criteria provided, single submitter. Criteria: Invitae Variant Classification Sherloc (09022015). Collection method: clinical testing. Allele origin: germline.
Comment: This sequence change replaces glutamine, which is neutral and polar, with arginine, which is basic and polar, at codon 26 of the COL6A3 protein (p.Gln26Arg). This variant is present in population databases (no rsID available, gnomAD 0.0009%). This variant has not been reported in the literature in individuals affected with COL6A3-related conditions. ClinVar contains an entry for this variant (Variation ID: 1433769). Advanced modeling of protein sequence and biophysical properties (such as structural, functional, and spatial information, amino acid conservation, physicochemical variation, residue mobility, and thermodynamic stability) performed at Invitae indicates that this missense variant is not expected to disrupt COL6A3 protein function with a negative predictive value of 95%. In summary, the available evidence is currently insufficient to determine the role of this variant in disease. Therefore, it has been classified as a Variant of Uncertain Significance.

NM_004369.4(COL6A3):c.77A>G (p.Gln26Arg)

Gene: COL6A3 (collagen type VI alpha 3 chain; minus strand). Cytogenetic location: 2q37.3.
Variant type: single nucleotide variant.
Coding change: c.77A>G on transcript NM_004369.4 (MANE Select); coding-DNA position 77, A replaced by G.
Protein change: p.Gln26Arg; replaces glutamine 26 with arginine.
Molecular consequence: missense variant.
Genome position (GRCh38, 1-based): chr2:237,396,741, T>C on the plus strand (A>G on the coding strand, the complement: COL6A3 is on the minus strand). VCF-style: chr2-237396741-T-C. GRCh37 (hg19) VCF-style: chr2-238305384-T-C.
Other names: c.77A>G, p.Gln26Arg (NM_057164.5, NM_057165.5, NM_057166.5 and 1 more transcripts); short protein forms Q26R.
Identifiers: ClinVar variation 1433769 (VCV001433769.8), dbSNP rs1381568881, ClinGen allele CA351229169.
Genomic context (GRCh38, chr2:237,396,741, plus strand): 5'-GAATGATATTCCTTTTTACAAAATCAAGGACGTTTCTGGCTCTTACCTGCTTGCTGCTGC[T>C]GGGCATGAGTTGTAGGAAAGCCTGAGAGAAAGAGGCAAAAGACGGCCACTAAGGGCAAGT-3'
Protein context (NP_004360.2, residues 16-36): FLSGFPTTHA[Gln26Arg]QQQADVKNGA